The following is an entry in ClinVar:

ClinVar aggregate classification (germline): Uncertain significance (1 of 4 stars; one submission).

Conditions:
Hereditary cancer-predisposing syndrome. Also called: Hereditary Cancer Syndrome; Hereditary neoplastic syndrome; Neoplastic Syndromes, Hereditary; Tumor predisposition. Identifiers: Orphanet 140162, MedGen C0027672, MeSH D009386, MONDO:0015356.

Submission:

Ambry Genetics
Classification: Uncertain significance for Hereditary cancer-predisposing syndrome. Last evaluated: 2022-09-26. Review status: criteria provided, single submitter. Criteria: Ambry Variant Classification Scheme 2023. Collection method: clinical testing. Allele origin: germline.
Comment: The p.D194E variant (also known as c.582T>G), located in coding exon 6 of the EPCAM gene, results from a T to G substitution at nucleotide position 582. The aspartic acid at codon 194 is replaced by glutamic acid, an amino acid with highly similar properties. This amino acid position is conserved. In addition, this alteration is predicted to be tolerated by in silico analysis. Since supporting evidence is limited at this time, the clinical significance of this alteration remains unclear.

NM_002354.3(EPCAM):c.582T>G (p.Asp194Glu)

Gene: EPCAM (epithelial cell adhesion molecule; plus strand). Cytogenetic location: 2p21.
Variant type: single nucleotide variant.
Coding change: c.582T>G on transcript NM_002354.3 (MANE Select); coding-DNA position 582, T replaced by G.
Protein change: p.Asp194Glu; replaces aspartic acid 194 with glutamic acid.
Molecular consequence: missense variant.
Genome position (GRCh38, 1-based): chr2:47,378,979, T>G. VCF-style: chr2-47378979-T-G. GRCh37 (hg19) VCF-style: chr2-47606118-T-G.
Other names: short protein forms D194E.
Identifiers: ClinVar variation 1749971 (VCV001749971.2), dbSNP rs2465470966, ClinGen allele CA346724142.